The following is an entry in ClinVar:

ClinVar aggregate classification (germline): Uncertain significance (1 of 4 stars; one submission).

gnomAD v4.1: 13 of 1,562,570 alleles (0.00083%); highest among the groups gnomAD compares: East Asian, 0.031%; no homozygotes.

Submission:

Labcorp Genetics (formerly Invitae), Labcorp
Classification: Uncertain significance. Last evaluated: 2022-09-06. Review status: criteria provided, single submitter. Criteria: Invitae Variant Classification Sherloc (09022015). Collection method: clinical testing. Allele origin: germline.
Comment: This sequence change replaces glycine, which is neutral and non-polar, with valine, which is neutral and non-polar, at codon 1508 of the COL27A1 protein (p.Gly1508Val). This variant is not present in population databases (gnomAD no frequency). This variant has not been reported in the literature in individuals affected with COL27A1-related conditions. Advanced modeling of protein sequence and biophysical properties (such as structural, functional, and spatial information, amino acid conservation, physicochemical variation, residue mobility, and thermodynamic stability) performed at Invitae indicates that this missense variant is expected to disrupt COL27A1 protein function. In summary, the available evidence is currently insufficient to determine the role of this variant in disease. Therefore, it has been classified as a Variant of Uncertain Significance.

NM_032888.4(COL27A1):c.4523G>T (p.Gly1508Val)

Gene: COL27A1 (collagen type XXVII alpha 1 chain; plus strand). Cytogenetic location: 9q32.
Variant type: single nucleotide variant.
Coding change: c.4523G>T on transcript NM_032888.4 (MANE Select); coding-DNA position 4523, G replaced by T.
Protein change: p.Gly1508Val; replaces glycine 1508 with valine.
Molecular consequence: missense variant.
Genome position (GRCh38, 1-based): chr9:114,292,149, G>T. VCF-style: chr9-114292149-G-T. GRCh37 (hg19) VCF-style: chr9-117054429-G-T.
Other names: short protein forms G1508V.
Identifiers: ClinVar variation 1922176 (VCV001922176.2), dbSNP rs1588884046, ClinGen allele CA374590210.
Genomic context (GRCh38, chr9:114,292,149, plus strand): 5'-TGTGTTTCTTTAAGGGTGAGAGTGGGTTACCCGGACAGCTGGGTCCCCCTGGCAAGCGAG[G>T]AACAGAGGGCAGAACGGGGCTCCCTGGAAACCAGGGGGAGCCTGGGTCCAAAGGCCAGCC-3'
Protein context (NP_116277.2, residues 1498-1518): PGQLGPPGKR[Gly1508Val]TEGRTGLPGN